The following is an entry in ClinVar:

ClinVar aggregate classification (germline): Uncertain significance. Review status: criteria provided, single submitter (1 of 4 stars). 2 submissions from 2 submitters: Uncertain significance (1). 1 of the submissions does not count toward it. Last evaluated 2021-08-22.

Conditions:
Retinitis pigmentosa 20 (RP20). Identifiers: Orphanet 791, MedGen C3151086, MONDO:0013425, OMIM 613794.
Leber congenital amaurosis 2 (LCA2). Also called: AMAUROSIS CONGENITA OF LEBER II; Autosomal Recessive RPE65-Related Retinal Degeneration. Identifiers: Orphanet 65, MedGen C1859844, MONDO:0008765, OMIM 204100. Disease mechanism: loss of function.
Leber congenital amaurosis (LCA). Also called: Leber's amaurosis. Identifiers: Orphanet 65, MedGen C0339527, MeSH D057130, MONDO:0018998.

Allele frequency attached by ClinVar (database versions not stated): gnomAD exomes 0.00001.
gnomAD v4.1: 4 of 1,613,542 alleles (0.00025%); highest among the groups gnomAD compares: Non-Finnish European, 0.00034%; no homozygotes.

Submissions (2):

Labcorp Genetics (formerly Invitae), Labcorp
Classification: Uncertain significance for Leber congenital amaurosis 2; Retinitis pigmentosa 20. Last evaluated: 2021-08-22. Review status: criteria provided, single submitter. Criteria: Invitae Variant Classification Sherloc (09022015). Collection method: clinical testing. Allele origin: germline.
Comment: This sequence change falls in intron 7 of the RPE65 gene. It does not directly change the encoded amino acid sequence of the RPE65 protein. It affects a nucleotide within the consensus splice site of the intron. This variant is not present in population databases (ExAC no frequency). This variant has not been reported in the literature in individuals affected with RPE65-related conditions. Variants that disrupt the consensus splice site are a relatively common cause of aberrant splicing (PMID: 17576681, 9536098). Algorithms developed to predict the effect of sequence changes on RNA splicing suggest that this variant is not likely to affect RNA splicing. In summary, the available evidence is currently insufficient to determine the role of this variant in disease. Therefore, it has been classified as a Variant of Uncertain Significance.

Natera, Inc.
Classification: Uncertain significance for Leber congenital amaurosis. Last evaluated: 2025-04-07. Review status: no assertion criteria provided. Collection method: clinical testing. Allele origin: germline. Not counted in ClinVar's aggregate classification.

Literature cited by the submitters: PubMed 17576681 (cited by Labcorp Genetics (formerly Invitae), Labcorp); PubMed 9536098 (cited by Labcorp Genetics (formerly Invitae), Labcorp).

NM_000329.3(RPE65):c.725+6T>C

Gene: RPE65 (retinoid isomerohydrolase RPE65; minus strand). Cytogenetic location: 1p31.3.
Variant type: single nucleotide variant.
Coding change: c.725+6T>C on transcript NM_000329.3 (MANE Select); 6 bases into the intron after coding-DNA position 725, T replaced by C.
Molecular consequence: intron variant.
Genome position (GRCh38, 1-based): chr1:68,439,555, A>G on the plus strand (T>C on the coding strand, the complement: RPE65 is on the minus strand). VCF-style: chr1-68439555-A-G. GRCh37 (hg19) VCF-style: chr1-68905238-A-G.
Other names: c.725+6T>C (NM_000329.2).
Identifiers: ClinVar variation 1376985 (VCV001376985.7), dbSNP rs2100819643, ClinGen allele CA2573131962.